The following is an entry in ClinVar:

ClinVar aggregate classification (germline): Uncertain significance. Review status: criteria provided, multiple submitters, no conflicts (2 of 4 stars). 2 submissions from 2 submitters: Uncertain significance (2). Last evaluated 2025-04-01.

Conditions:
Fanconi anemia (FA). Also called: Fanconi's anemia. Identifiers: Orphanet 84, MedGen C0015625, MeSH D005199, MONDO:0019391.

Allele frequency attached by ClinVar (database versions not stated): TOPMed 0.00002; 1000 Genomes Project 30x 0.00016; 1000 Genomes Project 0.00020.
gnomAD v4.1: 80 of 1,613,432 alleles (0.005%); highest among the groups gnomAD compares: South Asian, 0.08%; no homozygotes.

Submissions (2):

GeneDx
Classification: Uncertain significance. Last evaluated: 2025-04-01. Review status: criteria provided, single submitter. Criteria: GeneDx Variant Classification Process June 2021. Collection method: clinical testing. Allele origin: germline. Affected: yes.
Comment: In silico analysis supports that this missense variant has a deleterious effect on protein structure/function; Observed in individuals with breast and/or ovarian cancer (PMID: 35802266); This variant is associated with the following publications: (PMID: 35802266)

Labcorp Genetics (formerly Invitae), Labcorp
Classification: Uncertain significance for Fanconi anemia. Last evaluated: 2024-09-28. Review status: criteria provided, single submitter. Criteria: Invitae Variant Classification Sherloc (09022015). Collection method: clinical testing. Allele origin: germline.
Comment: This sequence change replaces histidine, which is basic and polar, with glutamine, which is neutral and polar, at codon 770 of the FANCM protein (p.His770Gln). This variant is present in population databases (rs566935444, gnomAD 0.09%). This missense change has been observed in individual(s) with breast and/or ovarian cancer (PMID: 35802266). ClinVar contains an entry for this variant (Variation ID: 956442). An algorithm developed to predict the effect of missense changes on protein structure and function outputs the following: PolyPhen-2: "Benign". The glutamine amino acid residue is found in multiple mammalian species, which suggests that this missense change does not adversely affect protein function. Algorithms developed to predict the effect of sequence changes on RNA splicing suggest that this variant may disrupt the consensus splice site. In summary, the available evidence is currently insufficient to determine the role of this variant in disease. Therefore, it has been classified as a Variant of Uncertain Significance.

Literature cited by the submitters: PubMed 35802266 (cited by Labcorp Genetics (formerly Invitae), Labcorp).

NM_020937.4(FANCM):c.2310C>G (p.His770Gln)

Gene: FANCM (FA complementation group M; plus strand). Cytogenetic location: 14q21.2.
Variant type: single nucleotide variant.
Coding change: c.2310C>G on transcript NM_020937.4 (MANE Select); coding-DNA position 2310, C replaced by G.
Protein change: p.His770Gln; replaces histidine 770 with glutamine.
Molecular consequence: missense variant.
Genome position (GRCh38, 1-based): chr14:45,173,204, C>G. VCF-style: chr14-45173204-C-G. GRCh37 (hg19) VCF-style: chr14-45642407-C-G.
Other names: c.2232C>G, p.His744Gln (NM_001308133.2); short protein forms H744Q, H770Q.
Identifiers: ClinVar variation 956442 (VCV000956442.11), dbSNP rs566935444, ClinGen allele CA7169315.
Genomic context (GRCh38, chr14:45,173,204, plus strand): 5'-TCACTCAGATCGATGCCGCCATTTTATAGGCCTTATGCAAATGATAGAGGGAATGAGACA[C>G]GAAGAGGTGGGGTTTTATTGTAACTTTCTCTTGCTGGTATGATAGTAAAACTAGAGTACT-3'
Protein context (NP_065988.1, residues 760-780): GLMQMIEGMR[His770Gln]EEGECSYELE